The following is an entry in ClinVar:

NM_001099922.3(ALG13):c.1822G>C (p.Asp608His)

Gene: ALG13 (ALG13 UDP-N-acetylglucosaminyltransferase subunit; plus strand). Cytogenetic location: Xq23.
Variant type: single nucleotide variant.
Coding change: c.1822G>C on transcript NM_001099922.3 (MANE Select); coding-DNA position 1822, G replaced by C.
Protein change: p.Asp608His; replaces aspartic acid 608 with histidine.
Molecular consequence: missense variant. On other transcripts: non-coding transcript variant (1).
Genome position (GRCh38, 1-based): chrX:111,726,901, G>C. VCF-style: chrX-111726901-G-C. GRCh37 (hg19) VCF-style: chrX-110970129-G-C.
Other names: c.1510G>C, p.Asp504His (NM_001257230.2, NM_001257234.2, NM_001257237.2); c.1588G>C, p.Asp530His (NM_001257231.2); c.1822G>C, p.Asp608His (NM_001324292.2); c.1336G>C, p.Asp446His (NM_001324293.1); short protein forms D446H, D504H, D530H, D608H.
Identifiers: ClinVar variation 1100622 (VCV001100622.12), dbSNP rs374870130, ClinGen allele CA10493769.

ClinVar aggregate classification (germline): Conflicting classifications of pathogenicity. Review status: criteria provided, conflicting classifications (1 of 4 stars). 3 submissions from 3 submitters: Uncertain significance (1); Likely benign (2). Last evaluated 2024-11-11.

Conditions:
Inborn genetic diseases. Identifiers: MedGen C0950123, MeSH D030342.
Developmental and epileptic encephalopathy, 36 (DEE36). Also called: Epileptic encephalopathy, early infantile, 36; ALG13-CDG; Congenital disorder of glycosylation, type Is. Identifiers: Orphanet 324422, MedGen C4317295, MONDO:0010472, OMIM 300884.

Allele frequency attached by ClinVar (database versions not stated): ExAC 0.00001; gnomAD exomes 0.00001 and 0.00004; TOPMed 0.00001; gnomAD 0.00002; ESP Exome Variant Server 0.00012.
gnomAD v4.1: 39 of 1,209,302 alleles (0.0032%); highest among the groups gnomAD compares: Non-Finnish European, 0.0044%; no homozygotes.

Submissions (3):

Blueprint Genetics
Classification: Likely benign. Last evaluated: 2024-11-11. Review status: criteria provided, single submitter. Criteria: ACMG Guidelines, 2015. Collection method: clinical testing. Allele origin: germline.

Labcorp Genetics (formerly Invitae), Labcorp
Classification: Likely benign for Developmental and epileptic encephalopathy, 36. Last evaluated: 2023-10-16. Review status: criteria provided, single submitter. Criteria: Invitae Variant Classification Sherloc (09022015). Collection method: clinical testing. Allele origin: germline.

Ambry Genetics
Classification: Uncertain significance for Inborn genetic diseases. Last evaluated: 2018-01-19. Review status: criteria provided, single submitter. Criteria: Ambry Variant Classification Scheme 2023. Collection method: clinical testing. Allele origin: germline.
Comment: The p.D608H variant (also known as c.1822G>C), located in coding exon 16 of the ALG13 gene, results from a G to C substitution at nucleotide position 1822. The aspartic acid at codon 608 is replaced by histidine, an amino acid with similar properties. This amino acid position is not well conserved in available vertebrate species. In addition, this alteration is predicted to be tolerated by in silico analysis. Since supporting evidence is limited at this time, the clinical significance of this alteration remains unclear.